The following is an entry in ClinVar:

ClinVar aggregate classification (germline): Uncertain significance. Review status: criteria provided, multiple submitters, no conflicts (2 of 4 stars). 3 submissions from 3 submitters: Uncertain significance (3). Last evaluated 2024-02-06.

Conditions:
Senior-Loken syndrome 8 (SLSN8). Identifiers: Orphanet 3156, MedGen C4225376, MONDO:0014579, OMIM 616307.
Asphyxiating thoracic dystrophy 5 (SRTD5). Also called: SHORT-RIB THORACIC DYSPLASIA 5 WITH OR WITHOUT POLYDACTYLY; SHORT-RIB THORACIC DYSPLASIA 5 WITHOUT POLYDACTYLY. Identifiers: Orphanet 474, MedGen C3280598, MONDO:0013717, OMIM 614376.
Nephronophthisis 13 (NPHP13). Identifiers: Orphanet 655, MedGen C3280612, MONDO:0013718, OMIM 614377.
Cranioectodermal dysplasia 4 (CED4). Identifiers: Orphanet 1515, MedGen C3280616, MONDO:0013719, OMIM 614378.
Spermatogenic failure 72 (SPGF72). Identifiers: MedGen C5676980, MONDO:0030809, OMIM 619867.

Allele frequency attached by ClinVar (database versions not stated): TOPMed below 0.00001; ExAC 0.00003; gnomAD 0.00003.
gnomAD v4.1: 10 of 1,577,068 alleles (0.00063%); highest among the groups gnomAD compares: Admixed American, 0.016%; no homozygotes.

Submissions (3):

Fulgent Genetics
Classification: Uncertain significance for Asphyxiating thoracic dystrophy 5; Nephronophthisis 13; Cranioectodermal dysplasia 4; Senior-Loken syndrome 8; Spermatogenic failure 72. Last evaluated: 2024-02-06. Review status: criteria provided, single submitter. Criteria: ACMG Guidelines, 2015. Collection method: clinical testing. Allele origin: germline.

Labcorp Genetics (formerly Invitae), Labcorp
Classification: Uncertain significance for Senior-Loken syndrome 8; Asphyxiating thoracic dystrophy 5. Last evaluated: 2022-10-25. Review status: criteria provided, single submitter. Criteria: Invitae Variant Classification Sherloc (09022015). Collection method: clinical testing. Allele origin: germline.
Comment: This sequence change replaces isoleucine, which is neutral and non-polar, with valine, which is neutral and non-polar, at codon 774 of the WDR19 protein (p.Ile774Val). This variant is present in population databases (rs762043395, gnomAD 0.02%). This variant has not been reported in the literature in individuals affected with WDR19-related conditions. ClinVar contains an entry for this variant (Variation ID: 1006091). Advanced modeling of protein sequence and biophysical properties (such as structural, functional, and spatial information, amino acid conservation, physicochemical variation, residue mobility, and thermodynamic stability) performed at Invitae indicates that this missense variant is not expected to disrupt WDR19 protein function. Algorithms developed to predict the effect of sequence changes on RNA splicing suggest that this variant may disrupt the consensus splice site. In summary, the available evidence is currently insufficient to determine the role of this variant in disease. Therefore, it has been classified as a Variant of Uncertain Significance.

Blueprint Genetics
Classification: Uncertain significance. Last evaluated: 2022-09-30. Review status: criteria provided, single submitter. Criteria: ACMG Guidelines, 2015. Collection method: clinical testing. Allele origin: germline.

NM_025132.4(WDR19):c.2320A>G (p.Ile774Val)

Gene: WDR19 (WD repeat domain 19; plus strand). Cytogenetic location: 4p14.
Variant type: single nucleotide variant.
Coding change: c.2320A>G on transcript NM_025132.4 (MANE Select); coding-DNA position 2320, A replaced by G.
Protein change: p.Ile774Val; replaces isoleucine 774 with valine.
Molecular consequence: missense variant.
Genome position (GRCh38, 1-based): chr4:39,234,832, A>G. VCF-style: chr4-39234832-A-G. GRCh37 (hg19) VCF-style: chr4-39236452-A-G.
Other names: c.1840A>G, p.Ile614Val (NM_001317924.2); short protein forms I614V, I774V.
Identifiers: ClinVar variation 1006091 (VCV001006091.8), dbSNP rs762043395, ClinGen allele CA2892050.